The following is an entry in ClinVar:

NM_001854.4(COL11A1):c.2344_2352del (p.Glu782_Gly784del)

Gene: COL11A1 (collagen type XI alpha 1 chain; minus strand). Cytogenetic location: 1p21.1.
Variant type: Deletion.
Coding change: c.2344_2352del on transcript NM_001854.4 (MANE Select); coding-DNA positions 2344 to 2352, 9 bases deleted (GAAGATGGT; older notation c.2344_2352delGAAGATGGT).
Protein change: p.Glu782_Gly784del.
Molecular consequence: inframe deletion. On other transcripts: non-coding transcript variant (1).
Genome position (GRCh38, 1-based): chr1:102,989,560-102,989,568, ACCATCTTC deleted on the plus strand (GAAGATGGT on the coding strand, the reverse complement: COL11A1 is on the minus strand); deleting any 9 consecutive bases within chr1:102,989,560-102,989,571 gives the same sequence; the c. name uses the placement nearest the transcript's 3' end. VCF-style (leftmost placement, unchanged base first): chr1-102989559-AACCATCTTC-A. GRCh37 (hg19) VCF-style: chr1-103455115-AACCATCTTC-A.
Other names: c.2227_2235del, p.Glu743_Gly745del (NM_001190709.2); c.2380_2388del, p.Glu794_Gly796del (NM_080629.3); c.1996_2004del, p.Glu666_Gly668del (NM_080630.4).
Identifiers: ClinVar variation 1321292 (VCV001321292.1), dbSNP rs2101750401, ClinGen allele CA2573051324.

ClinVar aggregate classification (germline): Uncertain significance (1 of 4 stars; one submission).

Conditions:
Marshall syndrome (MRSHS). Identifiers: Orphanet 560, MedGen C0265235, MONDO:0007949, OMIM 154780.

Submission:

3billion
Classification: Uncertain significance for Marshall syndrome. Last evaluated: 2021-10-25. Review status: criteria provided, single submitter. Criteria: ACMG Guidelines, 2015. Collection method: clinical testing. Allele origin: maternal. Affected: yes. Observed: 1 heterozygote.
Comment: Inframe deletion located in a nonrepeat region: predicted to change the length of the protein and disrupt normal protein function (PM4). It is not observed in the gnomAD v2.1.1 dataset (PM2).